The following is an entry in ClinVar:

NM_001130438.3(SPTAN1):c.4925C>A (p.Ala1642Asp)

Gene: SPTAN1 (spectrin alpha, non-erythrocytic 1; plus strand). Cytogenetic location: 9q34.11.
Variant type: single nucleotide variant.
Coding change: c.4925C>A on transcript NM_001130438.3 (MANE Select); coding-DNA position 4925, C replaced by A.
Protein change: p.Ala1642Asp; replaces alanine 1642 with aspartic acid.
Molecular consequence: missense variant.
Genome position (GRCh38, 1-based): chr9:128,612,128, C>A. VCF-style: chr9-128612128-C-A. GRCh37 (hg19) VCF-style: chr9-131374407-C-A.
Other names: c.4850C>A, p.Ala1617Asp (NM_001195532.2); c.4925C>A, p.Ala1642Asp (NM_001363759.2); c.4865C>A, p.Ala1622Asp (NM_001363765.2); c.4910C>A, p.Ala1637Asp (NM_003127.4); short protein forms A1642D, A1622D, A1637D, A1617D.
Identifiers: ClinVar variation 386193 (VCV000386193.1), dbSNP rs1057522444, ClinGen allele CA16606264.

ClinVar aggregate classification (germline): Likely benign (1 of 4 stars; one submission).

Submission:

GeneDx
Classification: Likely benign. Last evaluated: 2016-05-11. Review status: criteria provided, single submitter. Criteria: GeneDx Variant Classification (06012015). Collection method: clinical testing. Allele origin: germline. Affected: yes.
Comment: This variant is considered likely benign or benign based on one or more of the following criteria: it is a conservative change, it occurs at a poorly conserved position in the protein, it is predicted to be benign by multiple in silico algorithms, and/or has population frequency not consistent with disease.